The following is an entry in ClinVar:

ClinVar aggregate classification (germline): Uncertain significance (1 of 4 stars; one submission).

Conditions:
Wolman disease (WOLD). Also called: Acid cholesteryl ester hydrolase deficiency, Wolman type; Acid lipase disease; LYSOSOMAL ACID LIPASE DEFICIENCY, ACUTE INFANTILE; LYSOSOMAL ACID LIPASE DEFICIENCY, COMPLETE; LIPA DEFICIENCY, COMPLETE; LAL DEFICIENCY, COMPLETE. Identifiers: Orphanet 75233, MedGen C0043208, MONDO:0019148, OMIM 620151.

Allele frequency attached by ClinVar (database versions not stated): ExAC 0.00002; gnomAD 0.00001; gnomAD exomes 0.00002; TOPMed below 0.00001.
gnomAD v4.1: 29 of 1,613,892 alleles (0.0018%); highest among the groups gnomAD compares: South Asian, 0.0044%; no homozygotes.

Submission:

Labcorp Genetics (formerly Invitae), Labcorp
Classification: Uncertain significance for Wolman disease. Last evaluated: 2021-10-14. Review status: criteria provided, single submitter. Criteria: Invitae Variant Classification Sherloc (09022015). Collection method: clinical testing. Allele origin: germline.
Comment: This sequence change replaces proline with leucine at codon 370 of the LIPA protein (p.Pro370Leu). The proline residue is moderately conserved and there is a moderate physicochemical difference between proline and leucine. This variant is present in population databases (rs763989780, ExAC 0.01%). This variant has not been reported in the literature in individuals affected with LIPA-related conditions. Algorithms developed to predict the effect of missense changes on protein structure and function are either unavailable or do not agree on the potential impact of this missense change (SIFT: "Tolerated"; PolyPhen-2: "Probably Damaging"; Align-GVGD: "Class C0"). In summary, the available evidence is currently insufficient to determine the role of this variant in disease. Therefore, it has been classified as a Variant of Uncertain Significance.

NM_000235.4(LIPA):c.1109C>T (p.Pro370Leu)

Gene: LIPA (lipase A, lysosomal acid type; minus strand). Cytogenetic location: 10q23.31.
Variant type: single nucleotide variant.
Coding change: c.1109C>T on transcript NM_000235.4 (MANE Select); coding-DNA position 1109, C replaced by T.
Protein change: p.Pro370Leu; replaces proline 370 with leucine.
Molecular consequence: missense variant.
Genome position (GRCh38, 1-based): chr10:89,214,919, G>A on the plus strand (C>T on the coding strand, the complement: LIPA is on the minus strand). VCF-style: chr10-89214919-G-A. GRCh37 (hg19) VCF-style: chr10-90974676-G-A.
Other names: c.1109C>T, p.Pro370Leu (NM_001127605.3); c.761C>T, p.Pro254Leu (NM_001288979.2); short protein forms P254L, P370L.
Identifiers: ClinVar variation 2144512 (VCV002144512.1), dbSNP rs763989780, ClinGen allele CA5593507.